The following is an entry in ClinVar:

ClinVar aggregate classification (germline): Uncertain significance (1 of 4 stars; one submission).

gnomAD v4.1: 1 of 1,534,380 alleles (0.000065%); highest among the groups gnomAD compares: Non-Finnish European, 0.000089%; no homozygotes.

Submission:

Ambry Genetics
Classification: Uncertain significance. Last evaluated: 2025-01-23. Review status: criteria provided, single submitter. Criteria: Ambry Variant Classification Scheme 2023. Collection method: clinical testing. Allele origin: germline.
Comment: The p.R358K variant (also known as c.1073G>A), located in coding exon 10 of the GEN1 gene, results from a G to A substitution at nucleotide position 1073. The arginine at codon 358 is replaced by lysine, an amino acid with highly similar properties. This amino acid position is conserved. In addition, this alteration is predicted to be tolerated by in silico analysis. Based on the available evidence, the clinical significance of this variant remains unclear.

NM_001130009.3(GEN1):c.1073G>A (p.Arg358Lys)

Gene: GEN1 (GEN1 Holliday junction 5' flap endonuclease; plus strand). Cytogenetic location: 2p24.2.
Variant type: single nucleotide variant.
Coding change: c.1073G>A on transcript NM_001130009.3 (MANE Select); coding-DNA position 1073, G replaced by A.
Protein change: p.Arg358Lys; replaces arginine 358 with lysine.
Molecular consequence: missense variant.
Genome position (GRCh38, 1-based): chr2:17,774,272, G>A. VCF-style: chr2-17774272-G-A. GRCh37 (hg19) VCF-style: chr2-17955539-G-A.
Other names: c.1073G>A, p.Arg358Lys (NM_182625.5); short protein forms R358K.
Identifiers: ClinVar variation 3853526 (VCV003853526.1).
Genomic context (GRCh38, chr2:17,774,272, plus strand): 5'-GAGTGCTATTTGTCTCCAAGAGATAACAAAATCTTGTTTTATTTTTATTATATTTATAGA[G>A]ATTTACTCTTGAAAAAATGGAGTGGCCCAATCACTATGCATGTGAGAAATTGCTGGTACT-3'
Protein context (NP_001123481.3, residues 348-368): YQRPDLLLFQ[Arg358Lys]FTLEKMEWPN